The following is an entry in ClinVar:

ClinVar aggregate classification (germline): Pathogenic/Likely pathogenic. Review status: criteria provided, multiple submitters, no conflicts (2 of 4 stars). 4 submissions from 4 submitters: Pathogenic (2); Likely pathogenic (2). Last evaluated 2025-12-23.

Conditions:
Autosomal recessive titinopathy. Identifiers: MedGen CN315649, MONDO:0100493.
Dilated cardiomyopathy 1G (CMD1G). Identifiers: Orphanet 154, MedGen C1858763, MONDO:0011400, OMIM 604145.
Autosomal recessive limb-girdle muscular dystrophy type 2J (LGMDR10). Also called: Limb-girdle muscular dystrophy, type 2J; MUSCULAR DYSTROPHY, LIMB-GIRDLE, AUTOSOMAL RECESSIVE 10. Identifiers: Orphanet 140922, MedGen C1837342, MONDO:0012127, OMIM 608807.

Submissions (4):

Women's Health and Genetics/Laboratory Corporation of America, LabCorp
Classification: Likely pathogenic for Autosomal recessive titinopathy. Last evaluated: 2025-12-23. Review status: criteria provided, single submitter. Criteria: LabCorp Variant Classification Summary - May 2015. Collection method: clinical testing. Allele origin: germline.
Comment: Variant summary: TTN c.98315delG (p.Gly32772ValfsX65) results in a premature termination codon, predicted to cause a truncation of the encoded protein or absence of the protein due to nonsense mediated decay, which are commonly known mechanisms for disease. Loss of function variants in all TTN bands are strongly associated with a spectrum of autosomal recessive titinopathies when exon expression (proportion spliced in, PSI, 1=complete expression) in skeletal muscle is >0.1 (PMID: 36977548, 39198997, 29598826, 32778822, 29691892, 33449170, 36977548, internal data). In contrast, loss of function variants in all TTN bands are only strongly associated with autosomal dominant TTN-related cardiomyopathies if located in exons constitutively expressed (PSI >0.9) in cardiac muscle, excluding extreme C-terminal exons 359-363 (PMID: 25589632, 31216868, 32964742, 34662387, 27869827, Shetty et al., Nat Cardiovasc Res 2024,, internal data). This variant has a maximum skeletal muscle PSI of 0.942 and a maximum cardiac muscle PSI of 1.000. The variant was absent in 248962 control chromosomes. c.98315delG has been observed in cis with another pathogenic variant on an allele which was presumed compound heterozygous with a splice variant in at least 1 individual(s) affected with centronuclear myopathy and/or clinical features of Autosomal Recessive Titinopathy (example, Ceyhan-Birsoy_2013). It has also been reported in at least 1 individual with autosomal dominant dilated cardiomyopathy (Labcorp Genetics (formerly Invitae)). These report(s) do not provide unequivocal conclusions about association of the variant with TTN-related conditions. To our knowledge, no experimental evidence demonstrating an impact on protein function has been reported. The following publications have been ascertained in the context of this evaluation (PMID: 32778822, 29263846, 26581302, 27854229, 25961035, 38438525, 23975875, 24980681). ClinVar contains an entry for this variant (Variation ID: 242624). Based on the evidence outlined above, the variant was classified as likely pathogenic for both autosomal dominant and autosomal recessive TTN-related conditions.

GeneDx
Classification: Pathogenic. Last evaluated: 2025-08-21. Review status: criteria provided, single submitter. Criteria: GeneDx Variant Classification Process June 2021. Collection method: clinical testing. Allele origin: germline.
Comment: Frameshift variant predicted to result in protein truncation or nonsense mediated decay in a gene for which loss of function is a known mechanism of disease; Located in the M-band, a region of TTN for which truncating variants are significantly associated with autosomal recessive skeletal myopathies and also with autosomal dominant cardiomyopathy (PMID: 17444505, 32778822, 36637017); Not observed at significant frequency in large population cohorts (gnomAD); This variant is associated with the following publications: (PMID: 32778822, 17444505, 36637017, 23975875)

Labcorp Genetics (formerly Invitae), Labcorp
Classification: Likely pathogenic for Dilated cardiomyopathy 1G; Autosomal recessive limb-girdle muscular dystrophy type 2J. Last evaluated: 2024-03-08. Review status: criteria provided, single submitter. Criteria: Invitae Variant Classification Sherloc (09022015). Collection method: clinical testing. Allele origin: germline.
Comment: This sequence change creates a premature translational stop signal (p.Gly35340Valfs*65) in the TTN gene. While this is not anticipated to result in nonsense mediated decay, it is expected to create a truncated TTN protein. This variant is not present in population databases (gnomAD no frequency). This premature translational stop signal has been observed in individual(s) with autosomal dominant dilated cardiomyopathy and/or autosomal recessive centronuclear myopathy (PMID: 23975875; Invitae). This variant is also known as p.G32772fs. ClinVar contains an entry for this variant (Variation ID: 242624). This variant is located in the M band of TTN (PMID: 25589632). Truncating variants in this region have been previously reported in individuals affected with autosomal recessive myopathy and muscular dystrophy (PMID: 18948003, 23975875, 24395473). Truncating variants in this region have also been identified in individuals affected with autosomal dominant dilated cardiomyopathy and/or cardio-related conditions (PMID: 27869827, 32964742, Invitae internal data). In summary, the currently available evidence indicates that the variant is pathogenic, but additional data are needed to prove that conclusively. Therefore, this variant has been classified as Likely Pathogenic.

CeGaT Center for Human Genetics Tuebingen
Classification: Pathogenic. Last evaluated: 2023-08-01. Review status: criteria provided, single submitter. Criteria: CeGaT Center For Human Genetics Tuebingen Variant Classification Criteria Version 2. Collection method: clinical testing. Allele origin: germline. Affected: yes. Observed: 1 variant allele.
Comment: TTN: PVS1, PM2

Literature cited by the submitters: PubMed 32778822 (cited by Women's Health and Genetics/Laboratory Corporation of America, LabCorp); PubMed 25961035 (cited by Women's Health and Genetics/Laboratory Corporation of America, LabCorp); PubMed 29263846 (cited by Women's Health and Genetics/Laboratory Corporation of America, LabCorp); PubMed 23975875 (cited by Women's Health and Genetics/Laboratory Corporation of America, LabCorp and Labcorp Genetics (formerly Invitae), Labcorp); PubMed 24980681 (cited by Women's Health and Genetics/Laboratory Corporation of America, LabCorp); PubMed 38438525 (cited by Women's Health and Genetics/Laboratory Corporation of America, LabCorp); PubMed 26581302 (cited by Women's Health and Genetics/Laboratory Corporation of America, LabCorp); PubMed 27854229 (cited by Women's Health and Genetics/Laboratory Corporation of America, LabCorp); PubMed 25589632 (cited by Labcorp Genetics (formerly Invitae), Labcorp); PubMed 18948003 (cited by Labcorp Genetics (formerly Invitae), Labcorp); PubMed 24395473 (cited by Labcorp Genetics (formerly Invitae), Labcorp); PubMed 27869827 (cited by Labcorp Genetics (formerly Invitae), Labcorp); PubMed 32964742 (cited by Labcorp Genetics (formerly Invitae), Labcorp).

NM_001267550.2(TTN):c.106019del (p.Gly35340fs)

Genes: TTN (titin; minus strand), TTN-AS1 (TTN antisense RNA 1; plus strand), LOC129935182 (ATAC-STARR-seq lymphoblastoid active region 16807; plus strand). Cytogenetic location: 2q31.2.
Variant type: Deletion.
Coding change: c.106019del on transcript NM_001267550.2 (MANE Select); coding-DNA position 106019, one base deleted (G; older notation c.106019delG).
Protein change: p.Gly35340fs; shifts the reading frame from glycine 35340.
Molecular consequence: frameshift variant.
Genome position (GRCh38, 1-based): chr2:178,530,596, C deleted on the plus strand (G on the coding strand, the reverse complement: TTN is on the minus strand); the first of 2 consecutive C bases (chr2:178,530,596-178,530,597); deleting either gives the same sequence. VCF-style (leftmost placement, unchanged base first): chr2-178530595-AC-A. GRCh37 (hg19) VCF-style: chr2-179395322-AC-A.
Other names: c.106019del (NM_001267550.1); c.101096del, p.Gly33699fs (NM_001256850.1); c.78824del, p.Gly26275fs (NM_003319.4); c.98315del, p.Gly32772fs (NM_133378.4); c.79199del, p.Gly26400fs (NM_133432.3); c.79400del, p.Gly26467fs (NM_133437.4); c.98315delG (NM_133378.4); short protein forms G32772fs, G33699fs, G35340fs, G26400fs, G26275fs, G26467fs.
Identifiers: ClinVar variation 242624 (VCV000242624.32), dbSNP rs727504482, ClinGen allele CA049115.
Genomic context (GRCh38, chr2:178,530,595, plus strand): 5'-CTCACAAACATATTCTCCTTGATCAGATTCAGTGAGGTTATTGATTTTGAGCTCATAGGT[AC>A]CATCTGCTGAATAATGAAACTGGAAATGCCCATTTTCCTTCAGTTTCTTGCCATCTTTAT-3'